The following is an entry in ClinVar:

ClinVar aggregate classification (germline): Uncertain significance. Review status: criteria provided, multiple submitters, no conflicts (2 of 4 stars). 2 submissions from 2 submitters: Uncertain significance (2). Last evaluated 2025-12-02.

Allele frequency attached by ClinVar (database versions not stated): gnomAD exomes below 0.00001; TOPMed below 0.00001; gnomAD 0.00001; 1000 Genomes Project 30x 0.00016; 1000 Genomes Project 0.00020.
gnomAD v4.1: 5 of 1,608,290 alleles (0.00031%); highest among the groups gnomAD compares: East Asian, 0.0067%; no homozygotes.

Submissions (2):

Ambry Genetics
Classification: Uncertain significance. Last evaluated: 2025-12-02. Review status: criteria provided, single submitter. Criteria: Ambry Variant Classification Scheme 2023. Collection method: clinical testing. Allele origin: germline.

Labcorp Genetics (formerly Invitae), Labcorp
Classification: Uncertain significance. Last evaluated: 2024-05-20. Review status: criteria provided, single submitter. Criteria: Invitae Variant Classification Sherloc (09022015). Collection method: clinical testing. Allele origin: germline.
Comment: This sequence change replaces proline, which is neutral and non-polar, with arginine, which is basic and polar, at codon 978 of the DGKZ protein (p.Pro978Arg). This variant is present in population databases (rs200913050, gnomAD 0.006%). This variant has not been reported in the literature in individuals affected with DGKZ-related conditions. An algorithm developed to predict the effect of missense changes on protein structure and function (PolyPhen-2) suggests that this variant is likely to be tolerated. In summary, the available evidence is currently insufficient to determine the role of this variant in disease. Therefore, it has been classified as a Variant of Uncertain Significance.

NM_001199267.2(DGKZ):c.2366C>G (p.Pro789Arg)

Gene: DGKZ (diacylglycerol kinase zeta; plus strand). Cytogenetic location: 11p11.2.
Variant type: single nucleotide variant.
Coding change: c.2366C>G on transcript NM_001199267.2 (MANE Select); coding-DNA position 2366, C replaced by G.
Protein change: p.Pro789Arg; replaces proline 789 with arginine.
Molecular consequence: missense variant.
Genome position (GRCh38, 1-based): chr11:46,378,224, C>G. VCF-style: chr11-46378224-C-G. GRCh37 (hg19) VCF-style: chr11-46399774-C-G.
Other names: c.2933C>G (NM_001105540.1); c.2933C>G, p.Pro978Arg (NM_001105540.2); c.2369C>G, p.Pro790Arg (NM_001199266.2, NM_003646.4); c.2300C>G, p.Pro767Arg (NM_001199268.2); c.2417C>G, p.Pro806Arg (NM_201532.3); c.2381C>G, p.Pro794Arg (NM_201533.3); short protein forms P790R, P806R, P978R, P767R, P789R, P794R.
Identifiers: ClinVar variation 2838305 (VCV002838305.4), dbSNP rs200913050, ClinGen allele CA221611504.